The following is an entry in ClinVar:

NM_001010892.3(RSPH4A):c.1080G>C (p.Leu360Phe)

Gene: RSPH4A (radial spoke head component 4A; plus strand). Cytogenetic location: 6q22.1.
Variant type: single nucleotide variant.
Coding change: c.1080G>C on transcript NM_001010892.3 (MANE Select); coding-DNA position 1080, G replaced by C.
Protein change: p.Leu360Phe; replaces leucine 360 with phenylalanine.
Molecular consequence: missense variant.
Genome position (GRCh38, 1-based): chr6:116,627,787, G>C. VCF-style: chr6-116627787-G-C. GRCh37 (hg19) VCF-style: chr6-116948950-G-C.
Other names: c.1080G>C, p.Leu360Phe (NM_001161664.2); short protein forms L360F.
Identifiers: ClinVar variation 696085 (VCV000696085.15), dbSNP rs111375012, ClinGen allele CA3970892.

ClinVar aggregate classification (germline): Benign/Likely benign. Review status: criteria provided, multiple submitters, no conflicts (2 of 4 stars). 3 submissions from 3 submitters: Benign (1); Likely benign (1). 1 of the submissions does not count toward it. Last evaluated 2026-01-11.

Conditions:
Primary ciliary dyskinesia. Also called: Ciliary dyskinesia. Identifiers: Orphanet 244, MedGen C0008780, MONDO:0016575, HP:0012265.
RSPH4A-related disorder. Also called: RSPH4A-related condition.

Allele frequency attached by ClinVar (database versions not stated): 1000 Genomes Project 30x 0.00219; gnomAD exomes 0.00013 and 0.00041; ExAC 0.00049; gnomAD 0.00135 and 0.00144; ESP Exome Variant Server 0.00146; TOPMed 0.00167; 1000 Genomes Project 0.00180.
gnomAD v4.1: 420 of 1,614,134 alleles (0.026%); highest among the groups gnomAD compares: African/African-American, 0.42%; 1 homozygote.

Submissions (3):

Labcorp Genetics (formerly Invitae), Labcorp
Classification: Likely benign for Primary ciliary dyskinesia. Last evaluated: 2026-01-11. Review status: criteria provided, single submitter. Criteria: Invitae Variant Classification Sherloc (09022015). Collection method: clinical testing. Allele origin: germline.

Ambry Genetics
Classification: Benign for Primary ciliary dyskinesia. Last evaluated: 2015-10-20. Review status: criteria provided, single submitter. Criteria: Ambry Variant Classification Scheme 2023. Collection method: clinical testing. Allele origin: germline.

PreventionGenetics, part of Exact Sciences
Classification: Likely benign for RSPH4A-related condition. Last evaluated: 2019-09-17. Review status: no assertion criteria provided. Collection method: clinical testing. Allele origin: germline. Not counted in ClinVar's aggregate classification.
Comment: This variant is classified as likely benign based on ACMG/AMP sequence variant interpretation guidelines (Richards et al. 2015 PMID: 25741868, with internal and published modifications).